The following is an entry in ClinVar:

NM_000379.4(XDH):c.1510A>G (p.Met504Val)

Gene: XDH (xanthine dehydrogenase; minus strand). Cytogenetic location: 2p23.1.
Variant type: single nucleotide variant.
Coding change: c.1510A>G on transcript NM_000379.4 (MANE Select); coding-DNA position 1510, A replaced by G.
Protein change: p.Met504Val; replaces methionine 504 with valine.
Molecular consequence: missense variant.
Genome position (GRCh38, 1-based): chr2:31,375,472, T>C on the plus strand (A>G on the coding strand, the complement: XDH is on the minus strand). VCF-style: chr2-31375472-T-C. GRCh37 (hg19) VCF-style: chr2-31598338-T-C.
Other names: short protein forms M504V.
Identifiers: ClinVar variation 1472750 (VCV001472750.9), dbSNP rs2148774872, ClinGen allele CA346507404.

ClinVar aggregate classification (germline): Uncertain significance. Review status: criteria provided, multiple submitters, no conflicts (2 of 4 stars). 2 submissions from 2 submitters: Uncertain significance (2). Last evaluated 2022-04-22.

Conditions:
Xanthinuria type II. Also called: Xanthine dehydrogenase and aldehyde oxidase combined deficiency of; XDH and AOX dual deficiency. Identifiers: Orphanet 3467, Orphanet 93602, MedGen C1863688, MONDO:0011346, OMIM 603592.
Hereditary xanthinuria type 1 (XAN1). Identifiers: Orphanet 3467, Orphanet 93601, MedGen C0268118, MONDO:0010209, OMIM 278300.

gnomAD v4.1: 2 of 1,614,166 alleles (0.00012%); highest among the groups gnomAD compares: Non-Finnish European, 0.000085%; no homozygotes.

Submissions (2):

Fulgent Genetics
Classification: Uncertain significance for Hereditary xanthinuria type 1. Last evaluated: 2022-04-22. Review status: criteria provided, single submitter. Criteria: ACMG Guidelines, 2015. Collection method: clinical testing. Allele origin: unknown.

Labcorp Genetics (formerly Invitae), Labcorp
Classification: Uncertain significance for Xanthinuria type II. Last evaluated: 2021-06-12. Review status: criteria provided, single submitter. Criteria: Invitae Variant Classification Sherloc (09022015). Collection method: clinical testing. Allele origin: germline.
Comment: Algorithms developed to predict the effect of missense changes on protein structure and function are either unavailable or do not agree on the potential impact of this missense change (SIFT: "Deleterious"; PolyPhen-2: "Possibly Damaging"; Align-GVGD: "Class C15"). In summary, the available evidence is currently insufficient to determine the role of this variant in disease. Therefore, it has been classified as a Variant of Uncertain Significance. This variant has not been reported in the literature in individuals with XDH-related conditions. This variant is not present in population databases (ExAC no frequency). This sequence change replaces methionine with valine at codon 504 of the XDH protein (p.Met504Val). The methionine residue is highly conserved and there is a small physicochemical difference between methionine and valine.